The following is an entry in ClinVar:

ClinVar aggregate classification (germline): Uncertain significance (1 of 4 stars; one submission).

Conditions:
Cardiovascular phenotype. Identifiers: MedGen CN230736.

gnomAD v4.1: 10 of 1,614,204 alleles (0.00062%); highest among the groups gnomAD compares: Non-Finnish European, 0.00085%; no homozygotes.

Submission:

Ambry Genetics
Classification: Uncertain significance for Cardiovascular phenotype. Last evaluated: 2025-04-30. Review status: criteria provided, single submitter. Criteria: Ambry Variant Classification Scheme 2023. Collection method: clinical testing. Allele origin: germline.
Comment: The p.M3136T variant (also known as c.9407T>C), located in coding exon 39 of the AKAP9 gene, results from a T to C substitution at nucleotide position 9407. The methionine at codon 3136 is replaced by threonine, an amino acid with similar properties. This amino acid position is conserved. In addition, this alteration is predicted to be tolerated by in silico analysis. Based on the available evidence, the clinical significance of this variant remains unclear.

NM_005751.5(AKAP9):c.9407T>C (p.Met3136Thr)

Gene: AKAP9 (A-kinase anchoring protein 9; plus strand). Cytogenetic location: 7q21.2.
Variant type: single nucleotide variant.
Coding change: c.9407T>C on transcript NM_005751.5 (MANE Select); coding-DNA position 9407, T replaced by C.
Protein change: p.Met3136Thr; replaces methionine 3136 with threonine.
Molecular consequence: missense variant.
Genome position (GRCh38, 1-based): chr7:92,093,145, T>C. VCF-style: chr7-92093145-T-C. GRCh37 (hg19) VCF-style: chr7-91722459-T-C.
Other names: c.4052T>C, p.Met1351Thr (NM_001379277.1); c.9383T>C, p.Met3128Thr (NM_147185.3); short protein forms M3128T, M3136T, M1351T.
Identifiers: ClinVar variation 4033939 (VCV004033939.1).